The following is an entry in ClinVar:

NM_032122.5(DTNBP1):c.811+63G>A

Gene: DTNBP1 (dystrobrevin binding protein 1; minus strand). Cytogenetic location: 6p22.3.
Variant type: single nucleotide variant.
Coding change: c.811+63G>A on transcript NM_032122.5 (MANE Select); 63 bases into the intron after coding-DNA position 811, G replaced by A.
Molecular consequence: intron variant. On other transcripts: missense variant (1), non-coding transcript variant (1).
Genome position (GRCh38, 1-based): chr6:15,524,463, C>T on the plus strand (G>A on the coding strand, the complement: DTNBP1 is on the minus strand). VCF-style: chr6-15524463-C-T. GRCh37 (hg19) VCF-style: chr6-15524694-C-T.
Other names: c.874G>A, p.Val292Met (NM_183040.2); c.706+63G>A (NM_001271669.2); c.760+63G>A (NM_001271668.2); c.568+63G>A (NM_001271667.2); short protein forms V292M.
Identifiers: ClinVar variation 1326385 (VCV001326385.3), dbSNP rs150899295, ClinGen allele CA3643872.

ClinVar aggregate classification (germline): Conflicting classifications of pathogenicity. Review status: criteria provided, conflicting classifications (1 of 4 stars). 2 submissions from 2 submitters: Uncertain significance (1); Likely benign (1). Last evaluated 2024-09-18.

Allele frequency attached by ClinVar (database versions not stated): ExAC 0.00007; gnomAD exomes 0.00008 and 0.00026; gnomAD 0.00011; ESP Exome Variant Server 0.00015.
gnomAD v4.1: 407 of 1,613,646 alleles (0.025%); highest among the groups gnomAD compares: Non-Finnish European, 0.032%; 1 homozygote.

Submissions (2):

Blueprint Genetics
Classification: Likely benign. Last evaluated: 2024-09-18. Review status: criteria provided, single submitter. Criteria: ACMG Guidelines, 2015. Collection method: clinical testing. Allele origin: germline.

GeneDx
Classification: Uncertain significance. Last evaluated: 2021-04-27. Review status: criteria provided, single submitter. Criteria: GeneDx Variant Classification Process June 2021. Collection method: clinical testing. Allele origin: germline. Affected: yes.
Comment: Has not been previously published as pathogenic or benign to our knowledge; In silico analysis supports that this missense variant does not alter protein structure/function